The following is an entry in ClinVar:

NM_000737.5(CGB3):c.360C>T (p.Cys120=)

Gene: CGB3 (chorionic gonadotropin subunit beta 3; minus strand). Cytogenetic location: 19q13.33.
Variant type: single nucleotide variant.
Coding change: c.360C>T on transcript NM_000737.5 (MANE Select); coding-DNA position 360, C replaced by T.
Protein change: p.Cys120=; no amino-acid change (cysteine 120 retained).
Molecular consequence: synonymous variant.
Genome position (GRCh38, 1-based): chr19:49,023,024, G>A on the plus strand (C>T on the coding strand, the complement: CGB3 is on the minus strand). VCF-style: chr19-49023024-G-A. GRCh37 (hg19) VCF-style: chr19-49526281-G-A.
Identifiers: ClinVar variation 2650230 (VCV002650230.24), dbSNP rs546005084, ClinGen allele CA9564534.

ClinVar aggregate classification (germline): Likely benign (1 of 4 stars; one submission).

Allele frequency attached by ClinVar (database versions not stated): ExAC 0.00072; 1000 Genomes Project 30x 0.00187; 1000 Genomes Project 0.00779.

Submission:

CeGaT Center for Human Genetics Tuebingen
Classification: Likely benign. Last evaluated: 2023-12-01. Review status: criteria provided, single submitter. Criteria: CeGaT Center For Human Genetics Tuebingen Variant Classification Criteria Version 2. Collection method: clinical testing. Allele origin: germline. Affected: yes. Observed: 2 variant alleles.
Comment: CGB3: BP4, BP7